The following is an entry in ClinVar:

ClinVar aggregate classification (germline): Uncertain significance (1 of 4 stars; one submission).

Conditions:
Inborn genetic diseases. Identifiers: MedGen C0950123, MeSH D030342.

Submission:

Ambry Genetics
Classification: Uncertain significance for Inborn genetic diseases. Last evaluated: 2025-06-15. Review status: criteria provided, single submitter. Criteria: Ambry Variant Classification Scheme 2023. Collection method: clinical testing. Allele origin: germline.
Comment: The p.H461L variant (also known as c.1382A>T), located in coding exon 8 of the MECOM gene, results from an A to T substitution at nucleotide position 1382. The histidine at codon 461 is replaced by leucine, an amino acid with similar properties. This amino acid position is conserved. In addition, the in silico prediction for this alteration is inconclusive. Based on the available evidence, the clinical significance of this variant remains unclear.

NM_004991.4(MECOM):c.1382A>T (p.His461Leu)

Gene: MECOM (MDS1 and EVI1 complex locus; minus strand). Cytogenetic location: 3q26.2.
Variant type: single nucleotide variant.
Coding change: c.1382A>T on transcript NM_004991.4 (MANE Select); coding-DNA position 1382, A replaced by T.
Protein change: p.His461Leu; replaces histidine 461 with leucine.
Molecular consequence: missense variant. On other transcripts: intron variant (2).
Genome position (GRCh38, 1-based): chr3:169,116,490, T>A on the plus strand (A>T on the coding strand, the complement: MECOM is on the minus strand). VCF-style: chr3-169116490-T-A. GRCh37 (hg19) VCF-style: chr3-168834278-T-A.
Other names: c.1013A>T, p.His338Leu (NM_001105077.4); c.818A>T, p.His273Leu (NM_001105078.4, NM_001164000.2, NM_001205194.2 and 4 more transcripts); c.821A>T, p.His274Leu (NM_001163999.2, NM_001366467.2, NM_001366468.2 and 1 more transcripts); c.1382A>T, p.His461Leu (NM_001366466.2); c.1133-723A>T (NM_001366473.2); c.569-723A>T (NM_001366474.2); short protein forms H461L, H273L, H274L, H338L.
Identifiers: ClinVar variation 4105722 (VCV004105722.1).